The following is an entry in ClinVar:

ClinVar aggregate classification (germline): Pathogenic (1 of 4 stars; one submission).

Conditions:
Ataxia-telangiectasia syndrome (AT). Also called: Ataxia-telangiectasia, complementation group E; Ataxia telangiectasia (A-T); LOUIS-BAR SYNDROME; ATAXIA-TELANGIECTASIA, FRESNO VARIANT; AT, COMPLEMENTATION GROUP C; Ataxia-telangiectasia. Identifiers: Orphanet 100, MedGen C0004135, MONDO:0008840, OMIM 208900.

Submission:

Labcorp Genetics (formerly Invitae), Labcorp
Classification: Pathogenic for Ataxia-telangiectasia syndrome. Last evaluated: 2022-01-19. Review status: criteria provided, single submitter. Criteria: Invitae Variant Classification Sherloc (09022015). Collection method: clinical testing. Allele origin: germline.
Comment: ClinVar contains an entry for this variant (Variation ID: 947505). This variant has not been reported in the literature in individuals affected with ATM-related conditions. This variant is not present in population databases (gnomAD no frequency). This sequence change creates a premature translational stop signal (p.Leu507Trpfs*7) in the ATM gene. It is expected to result in an absent or disrupted protein product. Loss-of-function variants in ATM are known to be pathogenic (PMID: 23807571, 25614872). For these reasons, this variant has been classified as Pathogenic.

Literature cited by the submitters: PubMed 23807571; PubMed 25614872.

NM_000051.4(ATM):c.1520_1524del (p.Leu507fs)

Gene: ATM (ATM serine/threonine kinase; plus strand). Cytogenetic location: 11q22.3.
Variant type: Deletion.
Coding change: c.1520_1524del on transcript NM_000051.4 (MANE Select); coding-DNA positions 1520 to 1524, 5 bases deleted (TACTT; older notation c.1520_1524delTACTT).
Protein change: p.Leu507fs; shifts the reading frame from leucine 507.
Molecular consequence: frameshift variant.
Genome position (GRCh38, 1-based): chr11:108,250,985-108,250,989, TACTT deleted; deleting any 5 consecutive bases within chr11:108,250,984-108,250,989 gives the same sequence; the c. name uses the placement nearest the transcript's 3' end. VCF-style (leftmost placement, unchanged base first): chr11-108250983-CTTACT-C. GRCh37 (hg19) VCF-style: chr11-108121710-CTTACT-C.
Other names: c.1520_1524del, p.Leu507fs (NM_001351834.2); short protein forms L507fs.
Identifiers: ClinVar variation 947505 (VCV000947505.7), dbSNP rs2080114187, ClinGen allele CA1139662155.
Genomic context (GRCh38, chr11:108,250,983, plus strand): 5'-AATTTGGTGTATTACCTTTCGTGGTATAAGTTCTGAGCAAATACAAGCTGAAAACTTTGG[CTTACT>C]TGGAGCCATAATTCAGGGTAGTTTAGTTGAGGTTGACAGAGAATTCTGGAAGTTATTTAC-3'